The following is an entry in ClinVar:

NM_003738.5(PTCH2):c.2033C>T (p.Pro678Leu)

Gene: PTCH2 (patched 2; minus strand). Cytogenetic location: 1p34.1.
Variant type: single nucleotide variant.
Coding change: c.2033C>T on transcript NM_003738.5 (MANE Select); coding-DNA position 2033, C replaced by T.
Protein change: p.Pro678Leu; replaces proline 678 with leucine.
Molecular consequence: missense variant.
Genome position (GRCh38, 1-based): chr1:44,827,868, G>A on the plus strand (C>T on the coding strand, the complement: PTCH2 is on the minus strand). VCF-style: chr1-44827868-G-A. GRCh37 (hg19) VCF-style: chr1-45293540-G-A.
Other names: c.2033C>T, p.Pro678Leu (NM_001166292.2); short protein forms P678L.
Identifiers: ClinVar variation 1512168 (VCV001512168.8), dbSNP rs752642110, ClinGen allele CA823127.
Genomic context (GRCh38, chr1:44,827,868, plus strand): 5'-ATGCTAAGTCTCTGCCCTGCTCTGCCCAGTCTTACCTTAGCATGTGACTGGAGCAGCAAC[G>A]GGGCAAACTGATAGCGGGCGAAATGGGCAAGATTCCAGCGGGCACAGGGCAGGGACTTGC-3'
Protein context (NP_003729.3, residues 668-688): LAHFARYQFA[Pro678Leu]LLLQSHAKAI

ClinVar aggregate classification (germline): Uncertain significance (1 of 4 stars; one submission).

Conditions:
Gorlin syndrome. Also called: Basal cell nevus syndrome; Nevoid Basal Cell Carcinoma Syndrome. Identifiers: Orphanet 377, MedGen C0004779, MONDO:0007187.

Allele frequency attached by ClinVar (database versions not stated): TOPMed 0.00001; ExAC 0.00002; gnomAD exomes 0.00002.

Submission:

Labcorp Genetics (formerly Invitae), Labcorp
Classification: Uncertain significance for Gorlin syndrome. Last evaluated: 2025-12-13. Review status: criteria provided, single submitter. Criteria: Invitae Variant Classification Sherloc (09022015). Collection method: clinical testing. Allele origin: germline.
Comment: This sequence change replaces proline, which is neutral and non-polar, with leucine, which is neutral and non-polar, at codon 678 of the PTCH2 protein (p.Pro678Leu). This variant is present in population databases (rs752642110, gnomAD 0.006%). This variant has not been reported in the literature in individuals affected with PTCH2-related conditions. ClinVar contains an entry for this variant (Variation ID: 1512168). Invitae Evidence Modeling of protein sequence and biophysical properties (such as structural, functional, and spatial information, amino acid conservation, physicochemical variation, residue mobility, and thermodynamic stability) indicates that this missense variant is not expected to disrupt PTCH2 protein function with a negative predictive value of 80%. In summary, the available evidence is currently insufficient to determine the role of this variant in disease. Therefore, it has been classified as a Variant of Uncertain Significance.